The following is an entry in ClinVar:

ClinVar aggregate classification (germline): Pathogenic (1 of 4 stars; one submission).

Conditions:
Retinoblastoma (RB1). Also called: RETINOBLASTOMA, SOMATIC. Identifiers: Orphanet 790, MedGen C0035335, MeSH D012175, MONDO:0008380, OMIM 180200, HP:0009919. Disease mechanism: loss of function. Inheritance: Both sporadic and heritable forms are tested..

Submission:

Genetic Diagnostic Laboratory, University of Pennsylvania School of Medicine
Classification: Pathogenic for Retinoblastoma. Last evaluated: 2024-05-20. Review status: criteria provided, single submitter. Criteria: ACMG Guidelines, 2015. Collection method: clinical testing. Allele origin: germline. Affected: yes. Observed: 1 variant allele.
Comment: Case and Pedigree Information: BILATERAL CASES:1, UNILATERAL CASES:0, TOTAL CASES:1, PEDIGREES:1. ACMG Codes Applied:PVS1, PM2

NM_000321.3(RB1):c.2071G>T (p.Glu691Ter)

Gene: RB1 (RB transcriptional corepressor 1; plus strand). Cytogenetic location: 13q14.2.
Variant type: single nucleotide variant.
Coding change: c.2071G>T on transcript NM_000321.3 (MANE Select); coding-DNA position 2071, G replaced by T.
Protein change: p.Glu691Ter; replaces glutamic acid 691 with a stop codon.
Molecular consequence: nonsense.
Genome position (GRCh38, 1-based): chr13:48,459,798, G>T. VCF-style: chr13-48459798-G-T. GRCh37 (hg19) VCF-style: chr13-49033934-G-T.
Other names: c.2071G>T, p.Glu691Ter (NM_001407165.1); short protein forms E691*.
Identifiers: ClinVar variation 3237060 (VCV003237060.1), dbSNP rs1593534748.